The following is an entry in ClinVar:

NM_001018115.3(FANCD2):c.604A>G (p.Ile202Val)

Genes: FANCD2 (FA complementation group D2; plus strand), LOC107303338 (3p25 FANCD2 Alu-mediated recombination region; plus strand). Cytogenetic location: 3p25.3.
Variant type: single nucleotide variant.
Coding change: c.604A>G on transcript NM_001018115.3 (MANE Select); coding-DNA position 604, A replaced by G.
Protein change: p.Ile202Val; replaces isoleucine 202 with valine.
Molecular consequence: missense variant.
Genome position (GRCh38, 1-based): chr3:10,039,754, A>G. VCF-style: chr3-10039754-A-G. GRCh37 (hg19) VCF-style: chr3-10081438-A-G.
Other names: c.604A>G, p.Ile202Val (NM_001319984.2, NM_001374253.1, NM_001374254.1 and 2 more transcripts); short protein forms I202V.
Identifiers: ClinVar variation 1356056 (VCV001356056.8), dbSNP rs2124985132, ClinGen allele CA351725059.
Genomic context (GRCh38, chr3:10,039,754, plus strand): 5'-CAGTTCTAATAGTGTCTTCTACTGCAGGACCTCACCACCAAGATCATGCAGCTGATCAGT[A>G]TTGCTCCAGAGAACCTGCAGCATGACATCATCACCAGCCTACCTGAGATCCTAGGGGATT-3'
Protein context (NP_001018125.1, residues 192-212): LTTKIMQLIS[Ile202Val]APENLQHDII

ClinVar aggregate classification (germline): Uncertain significance (1 of 4 stars; one submission).

Conditions:
Fanconi anemia (FA). Also called: Fanconi's anemia. Identifiers: Orphanet 84, MedGen C0015625, MeSH D005199, MONDO:0019391.

Allele frequency attached by ClinVar (database versions not stated): gnomAD exomes below 0.00001.

Submission:

Labcorp Genetics (formerly Invitae), Labcorp
Classification: Uncertain significance for Fanconi anemia. Last evaluated: 2022-02-18. Review status: criteria provided, single submitter. Criteria: Invitae Variant Classification Sherloc (09022015). Collection method: clinical testing. Allele origin: germline.
Comment: This sequence change replaces isoleucine, which is neutral and non-polar, with valine, which is neutral and non-polar, at codon 202 of the FANCD2 protein (p.Ile202Val). This variant is not present in population databases (gnomAD no frequency). This variant has not been reported in the literature in individuals affected with FANCD2-related conditions. Algorithms developed to predict the effect of missense changes on protein structure and function output the following: SIFT: "Tolerated"; PolyPhen-2: "Benign"; Align-GVGD: "Class C0". The valine amino acid residue is found in multiple mammalian species, which suggests that this missense change does not adversely affect protein function. In summary, the available evidence is currently insufficient to determine the role of this variant in disease. Therefore, it has been classified as a Variant of Uncertain Significance.